The following is an entry in ClinVar:

ClinVar aggregate classification (germline): Uncertain significance (1 of 4 stars; one submission).

Conditions:
Emery-Dreifuss muscular dystrophy (EDMD). Also called: Scapuloperoneal syndrome, X-linked (formerly); Humeroperoneal neuromuscular disease, (formerly). Identifiers: Orphanet 261, MedGen C0410189, MONDO:0016830.

Submission:

Labcorp Genetics (formerly Invitae), Labcorp
Classification: Uncertain significance for Emery-Dreifuss muscular dystrophy. Last evaluated: 2022-07-09. Review status: criteria provided, single submitter. Criteria: Invitae Variant Classification Sherloc (09022015). Collection method: clinical testing. Allele origin: germline.
Comment: In summary, the available evidence is currently insufficient to determine the role of this variant in disease. Therefore, it has been classified as a Variant of Uncertain Significance. Algorithms developed to predict the effect of missense changes on protein structure and function are either unavailable or do not agree on the potential impact of this missense change (SIFT: "Tolerated"; PolyPhen-2: "Possibly Damaging"; Align-GVGD: "Class C0"). This variant has not been reported in the literature in individuals affected with SUN2-related conditions. This variant is not present in population databases (gnomAD no frequency). This sequence change replaces glutamic acid, which is acidic and polar, with glutamine, which is neutral and polar, at codon 479 of the SUN2 protein (p.Glu479Gln).

NM_015374.3(SUN2):c.1435G>C (p.Glu479Gln)

Genes: GTPBP1 (GTP binding protein 1; plus strand), SUN2 (Sad1 and UNC84 domain containing 2; minus strand). Cytogenetic location: 22q13.1.
Variant type: single nucleotide variant.
Coding change: c.1435G>C on transcript NM_015374.3 (MANE Select); coding-DNA position 1435, G replaced by C.
Protein change: p.Glu479Gln; replaces glutamic acid 479 with glutamine.
Molecular consequence: missense variant.
Genome position (GRCh38, 1-based): chr22:38,739,865, C>G on the plus strand (G>C on the coding strand, the complement: SUN2 is on the minus strand). VCF-style: chr22-38739865-C-G. GRCh37 (hg19) VCF-style: chr22-39135870-C-G.
Other names: c.1498G>C, p.Glu500Gln (NM_001199579.2, NM_001394428.1); c.1435G>C, p.Glu479Gln (NM_001199580.2, NM_001394431.1, NM_001394432.1 and 5 more transcripts); c.1528G>C, p.Glu510Gln (NM_001394427.1); c.1480G>C, p.Glu494Gln (NM_001394429.1, NM_001394430.1); c.1345G>C, p.Glu449Gln (NM_001394438.1); c.1297G>C, p.Glu433Gln (NM_001394439.1, NM_001394440.1, NM_001394441.1); c.1036G>C, p.Glu346Gln (NM_001394442.1); c.943G>C, p.Glu315Gln (NM_001394443.1); and 1 more; short protein forms E346Q, E433Q, E479Q, E494Q, E500Q, E510Q, E287Q, E315Q.
Identifiers: ClinVar variation 2121134 (VCV002121134.4), dbSNP rs2517980378, ClinGen allele CA411584315.
Genomic context (GRCh38, chr22:38,739,865, plus strand): 5'-TCTCTGCCACATGGGTGAGGATCTTGCTCTCCAGCTCTCGCAGCTGAGCTTGCATCTCCT[C>G]TCTCTGAAGGAGCCCCACGCGGCCCCCTCCACCTCGGGCAAGGAACTGACTGATCCAGGC-3'
Protein context (NP_056189.1, residues 469-489): GGGRVGLLQR[Glu479Gln]EMQAQLRELE